The following is an entry in ClinVar:

ClinVar aggregate classification (germline): Uncertain significance (1 of 4 stars; one submission).

gnomAD v4.1: 8 of 1,491,028 alleles (0.00054%); highest among the groups gnomAD compares: East Asian, 0.0084%; no homozygotes.

Submission:

Dasa
Classification: Uncertain significance. Last evaluated: 2026-05-04. Review status: criteria provided, single submitter. Criteria: DASA Assertion Criteria. Collection method: clinical testing. Allele origin: germline.
Comment: NM_006015.6(ARID1A):c.680C>T (p.Pro227Leu) is a missense variant that results in the substitution of proline with leucine. This variant is rare in population databases. Computational prediction algorithms are consistent with a benign effect. The currently available literature and clinical evidence are not sufficient to establish a definitive association between this variant and the reported condition. Therefore, this variant is classified as a variant of uncertain significance.

NM_006015.6(ARID1A):c.680C>T (p.Pro227Leu)

Genes: ARID1A (AT-rich interaction domain 1A; plus strand), LOC129929837 (ATAC-STARR-seq lymphoblastoid silent region 489; plus strand). Cytogenetic location: 1p36.11.
Variant type: single nucleotide variant.
Coding change: c.680C>T on transcript NM_006015.6 (MANE Select); coding-DNA position 680, C replaced by T.
Protein change: p.Pro227Leu; replaces proline 227 with leucine.
Molecular consequence: missense variant.
Genome position (GRCh38, 1-based): chr1:26,697,083, C>T. VCF-style: chr1-26697083-C-T. GRCh37 (hg19) VCF-style: chr1-27023574-C-T.
Other names: c.680C>T, p.Pro227Leu (NM_139135.4); short protein forms P227L.
Identifiers: ClinVar variation 5020635 (VCV005020635.1).